The following is an entry in ClinVar:

ClinVar aggregate classification (germline): Benign/Likely benign. Review status: criteria provided, multiple submitters, no conflicts (2 of 4 stars). 3 submissions from 3 submitters: Benign (1); Likely benign (2). Last evaluated 2025-05-28.

Conditions:
Prostate cancer, hereditary, 9 (HPC9). Identifiers: Orphanet 1331, MedGen C1970250, MONDO:0012597, OMIM 610997.
Hereditary cancer-predisposing syndrome. Also called: Hereditary Cancer Syndrome; Neoplastic Syndromes, Hereditary; Tumor predisposition; Hereditary neoplastic syndrome. Identifiers: Orphanet 140162, MedGen C0027672, MeSH D009386, MONDO:0015356.

Allele frequency attached by ClinVar (database versions not stated): gnomAD exomes below 0.00001 and 0.00001; ExAC 0.00001; gnomAD 0.00001; 1000 Genomes Project 0.00020; 1000 Genomes Project 30x 0.00031.
gnomAD v4.1: 3 of 1,613,372 alleles (0.00019%); highest among the groups gnomAD compares: Admixed American, 0.0033%; no homozygotes.

Submissions (3):

Labcorp Genetics (formerly Invitae), Labcorp
Classification: Likely benign. Last evaluated: 2025-05-28. Review status: criteria provided, single submitter. Criteria: Invitae Variant Classification Sherloc (09022015). Collection method: clinical testing. Allele origin: germline.

Myriad Genetics, Inc.
Classification: Benign for Prostate cancer, hereditary, 9. Last evaluated: 2024-10-28. Review status: criteria provided, single submitter. Criteria: Myriad Autosomal Dominant, Autosomal Recessive and X-Linked Classification Criteria (2023). Collection method: clinical testing. Allele origin: unknown.
Comment: This variant is considered benign. This variant is a silent/synonymous amino acid change and it is not expected to impact splicing.

Ambry Genetics
Classification: Likely benign for Hereditary cancer-predisposing syndrome. Last evaluated: 2021-02-17. Review status: criteria provided, single submitter. Criteria: Ambry Variant Classification Scheme 2023. Collection method: clinical testing. Allele origin: germline.

NM_006361.6(HOXB13):c.99G>C (p.Leu33=)

Gene: HOXB13 (homeobox B13; minus strand). Cytogenetic location: 17q21.32.
Variant type: single nucleotide variant.
Coding change: c.99G>C on transcript NM_006361.6 (MANE Select); coding-DNA position 99, G replaced by C.
Protein change: p.Leu33=; no amino-acid change (leucine 33 retained).
Molecular consequence: synonymous variant.
Genome position (GRCh38, 1-based): chr17:48,728,495, C>G on the plus strand (G>C on the coding strand, the complement: HOXB13 is on the minus strand). VCF-style: chr17-48728495-C-G. GRCh37 (hg19) VCF-style: chr17-46805857-C-G.
Identifiers: ClinVar variation 1086896 (VCV001086896.12), dbSNP rs570672959, ClinGen allele CA8634063.
Genomic context (GRCh38, chr17:48,728,495, plus strand): 5'-CAGATCCAAGGGGGCATAGTTGACAGCAGGCATCAGCGTAGGCGCCGCTGGGTGGCTGGT[C>G]AGAGGGGAGTGGGCGACCAGATTCCGCCCCCCTCCCGCTCCCAGCAAGCCTTCGATATCC-3'
Protein context (NP_006352.2, residues 23-43): GGRNLVAHSP[Leu33=]TSHPAAPTLM